The following is an entry in ClinVar:

ClinVar aggregate classification (germline): Pathogenic (1 of 4 stars; one submission).

Conditions:
Multiple endocrine neoplasia, type 1 (MEN1). Also called: Endocrine adenomatosis multiple; MEN 1; MEA I; MEN I; WERMER SYNDROME. Identifiers: Orphanet 652, MedGen C0025267, MeSH D018761, MONDO:0007540, OMIM 131100.

Submission:

Labcorp Genetics (formerly Invitae), Labcorp
Classification: Pathogenic for Multiple endocrine neoplasia, type 1. Last evaluated: 2018-10-08. Review status: criteria provided, single submitter. Criteria: Invitae Variant Classification Sherloc (09022015). Collection method: clinical testing. Allele origin: germline.
Comment: This sequence change affects an acceptor splice site in intron 7 of the MEN1 gene. It is expected to disrupt RNA splicing and likely results in an absent or disrupted protein product. This variant is not present in population databases (ExAC no frequency). Disruption of this splice site has been observed in individuals affected with multiple endocrine neoplasia type 1 (MEN1) or clinical features of MEN1 (PMID: 9506756, Invitae) and has also been observed to segregate with disease in two family members (PMID: 9506756). This variant is also known as 1160-2A>G in the literature. Donor and acceptor splice site variants typically lead to a loss of protein function (PMID: 16199547), and loss-of-function variants in MEN1 are known to be pathogenic (PMID: 12112656, 17853334). For these reasons, this variant has been classified as Pathogenic.

Literature cited by the submitters: PubMed 9506756; PubMed 16199547; PubMed 12112656; PubMed 17853334.

NM_001370259.2(MEN1):c.1050-2A>G

Gene: MEN1 (menin 1; minus strand). Cytogenetic location: 11q13.1.
Variant type: single nucleotide variant.
Coding change: c.1050-2A>G on transcript NM_001370259.2 (MANE Select); the canonical splice acceptor site of the intron before coding-DNA position 1050, A replaced by G.
Molecular consequence: splice acceptor variant.
Genome position (GRCh38, 1-based): chr11:64,805,772, T>C on the plus strand (A>G on the coding strand, the complement: MEN1 is on the minus strand). VCF-style: chr11-64805772-T-C. GRCh37 (hg19) VCF-style: chr11-64573244-T-C.
Other names: c.1065-2A>G (NM_130804.3, NM_130803.3, NM_000244.4 and 4 more transcripts); c.945-2A>G (NM_001407148.1, NM_001407149.1, NM_001370263.2 and 1 more transcripts); c.1050-2A>G (NM_130799.3, NM_001370260.2, NM_001407152.1 and 3 more transcripts); c.1176-2A>G (NM_001407144.1, NM_001370251.2, NM_001407142.1 and 1 more transcripts); c.1071-2A>G (NM_001407151.1); c.1191-2A>G (NM_001407150.1).
Identifiers: ClinVar variation 646754 (VCV000646754.9), dbSNP rs1565642765, ClinGen allele CA381183036.